The following is an entry in ClinVar:

NM_001286577.2(C2CD3):c.6343C>T (p.Pro2115Ser)

Gene: C2CD3 (C2 domain containing 3 centriole elongation regulator; minus strand). Cytogenetic location: 11q13.4.
Variant type: single nucleotide variant.
Coding change: c.6343C>T on transcript NM_001286577.2 (MANE Select); coding-DNA position 6343, C replaced by T.
Protein change: p.Pro2115Ser; replaces proline 2115 with serine.
Molecular consequence: missense variant.
Genome position (GRCh38, 1-based): chr11:74,033,817, G>A on the plus strand (C>T on the coding strand, the complement: C2CD3 is on the minus strand). VCF-style: chr11-74033817-G-A. GRCh37 (hg19) VCF-style: chr11-73744862-G-A.
Other names: p.Pro2115Ser; c.6343C>T (NM_001286577.1); short protein forms P2115S.
Identifiers: ClinVar variation 771890 (VCV000771890.28), dbSNP rs150676400, ClinGen allele CA6181715.

ClinVar aggregate classification (germline): Benign. Review status: criteria provided, multiple submitters, no conflicts (2 of 4 stars). 3 submissions from 3 submitters: Benign (3). Last evaluated 2026-04-01.

Allele frequency attached by ClinVar (database versions not stated): 1000 Genomes Project 0.00260; 1000 Genomes Project 30x 0.00281; ExAC 0.00442; gnomAD exomes 0.00803 and 0.01257; TOPMed 0.00838; gnomAD 0.00850 and 0.00889.
gnomAD v4.1: 18,595 of 1,536,238 alleles (1.2%); highest among the groups gnomAD compares: Non-Finnish European, 1.5%; 135 homozygotes.

Submissions (3):

CeGaT Center for Human Genetics Tuebingen
Classification: Benign. Last evaluated: 2026-04-01. Review status: criteria provided, single submitter. Criteria: CeGaT Center For Human Genetics Tuebingen Variant Classification Criteria Version 2. Collection method: clinical testing. Allele origin: germline. Affected: yes. Observed: 5 variant alleles.
Comment: C2CD3: BP4, BS1, BS2

Labcorp Genetics (formerly Invitae), Labcorp
Classification: Benign. Last evaluated: 2026-01-27. Review status: criteria provided, single submitter. Criteria: Invitae Variant Classification Sherloc (09022015). Collection method: clinical testing. Allele origin: germline.

Mayo Clinic Laboratories, Mayo Clinic
Classification: Benign. Last evaluated: 2024-04-02. Review status: criteria provided, single submitter. Criteria: ACMG Guidelines, 2015. Collection method: clinical testing. Allele origin: germline. Observed: 2 variant alleles.
Comment: BA1, BS2, BP4